The following is an entry in ClinVar:

NM_152424.4(AMER1):c.481_482inv (p.Ser161Asp)

Gene: AMER1 (APC membrane recruitment protein 1; minus strand). Cytogenetic location: Xq11.2.
Variant type: Inversion.
Coding change: c.481_482inv on transcript NM_152424.4 (MANE Select).
Protein change: p.Ser161Asp; replaces serine 161 with aspartic acid.
Molecular consequence: missense variant.
Genome position: GRCh38 VCF-style: chrX-64192805-GA-TC. GRCh37 (hg19) VCF-style: chrX-63412685-GA-TC.
Other names: short protein forms S161D.
Identifiers: ClinVar variation 3654457 (VCV003654457.2).

ClinVar aggregate classification (germline): Uncertain significance (1 of 4 stars; one submission).

Submission:

Labcorp Genetics (formerly Invitae), Labcorp
Classification: Uncertain significance. Last evaluated: 2024-05-29. Review status: criteria provided, single submitter. Criteria: Invitae Variant Classification Sherloc (09022015). Collection method: clinical testing. Allele origin: germline.
Comment: This sequence change replaces serine, which is neutral and polar, with aspartic acid, which is acidic and polar, at codon 161 of the AMER1 protein (p.Ser161Asp). Information on the frequency of this variant in the gnomAD database is not available, as this variant may be reported differently in the database. This variant has not been reported in the literature in individuals affected with AMER1-related conditions. An algorithm developed to predict the effect of missense changes on protein structure and function (PolyPhen-2) suggests that this variant is likely to be disruptive. In summary, the available evidence is currently insufficient to determine the role of this variant in disease. Therefore, it has been classified as a Variant of Uncertain Significance.